The following is an entry in ClinVar:

NM_000053.4(ATP7B):c.3472_3482del (p.Gly1158fs)

Gene: ATP7B (ATPase copper transporting beta; minus strand). Cytogenetic location: 13q14.3.
Variant type: Deletion.
Coding change: c.3472_3482del on transcript NM_000053.4 (MANE Select); coding-DNA positions 3472 to 3482, 11 bases deleted (GGTTTAACCAT).
Protein change: p.Gly1158fs; shifts the reading frame from glycine 1158.
Molecular consequence: frameshift variant.
Genome position (GRCh38, 1-based): chr13:51,941,155-51,941,165, ATGGTTAAACC deleted on the plus strand (GGTTTAACCAT on the coding strand, the reverse complement: ATP7B is on the minus strand). VCF-style (leftmost placement, unchanged base first): chr13-51941154-AATGGTTAAACC-A. GRCh37 (hg19) VCF-style: chr13-52515290-AATGGTTAAACC-A.
Other names: c.2851_2861del, p.Gly951fs (NM_001005918.3); c.3139_3149del, p.Gly1047fs (NM_001243182.2); c.3238_3248del, p.Gly1080fs (NM_001330578.2); c.3220_3230del, p.Gly1074fs (NM_001330579.2); short protein forms G1047fs, G1074fs, G1080fs, G1158fs, G951fs.
Identifiers: ClinVar variation 997881 (VCV000997881.15), dbSNP rs1566461818, ClinGen allele CA919272619.
Genomic context (GRCh38, chr13:51,941,154, plus strand): 5'-CAGGATGGCTGTCTGTCCTTTCATCTCGTGGTCTGTCATAGCGTCACTGACATCGCTAGA[AATGGTTAAACC>A]GTTGCGCCTCAGCCACTCACGGTTTCCAATCAGCACAGAGAAGGTCTGGGGGACTGCATC-3'

ClinVar aggregate classification (germline): Pathogenic. Review status: criteria provided, multiple submitters, no conflicts (2 of 4 stars). 7 submissions from 7 submitters: Pathogenic (7). Last evaluated 2025-06-18.

Conditions:
Wilson disease (WND). Also called: Wilson's disease. Identifiers: Orphanet 905, MedGen C0019202, MONDO:0010200, OMIM 277900. Disease mechanism: loss of function.

Allele frequency attached by ClinVar (database versions not stated): gnomAD exomes below 0.00001.

Submissions (7):

Color Diagnostics, LLC DBA Color Health
Classification: Pathogenic for Wilson disease. Last evaluated: 2025-06-18. Review status: criteria provided, single submitter. Criteria: ACMG Guidelines, 2015. Collection method: clinical testing. Allele origin: germline.
Comment: This variant deletes 11 nucleotides in exon 16 of the ATP7B gene, creating a frameshift and premature translation stop signal. This variant is expected to result in an absent or non-functional protein product. This variant has been reported in individuals affected with Wilson disease (e.g. PMID: 23885147, 27992490, 31942415). This variant has been identified in 1/249588 chromosomes in the general population by the Genome Aggregation Database (gnomAD). Loss of ATP7B function is a known mechanism of disease. Based on the available evidence, this variant is classified as Pathogenic.

Labcorp Genetics (formerly Invitae), Labcorp
Classification: Pathogenic for Wilson disease. Last evaluated: 2025-01-15. Review status: criteria provided, single submitter. Criteria: Invitae Variant Classification Sherloc (09022015). Collection method: clinical testing. Allele origin: germline.
Comment: This sequence change creates a premature translational stop signal (p.Gly1158Phefs*2) in the ATP7B gene. It is expected to result in an absent or disrupted protein product. Loss-of-function variants in ATP7B are known to be pathogenic (PMID: 10441329, 16283883). This variant is not present in population databases (gnomAD no frequency). This premature translational stop signal has been observed in individual(s) with Wilson disease (PMID: 9311736). ClinVar contains an entry for this variant (Variation ID: 997881). Algorithms developed to predict the effect of sequence changes on RNA splicing suggest that this variant may disrupt the consensus splice site. For these reasons, this variant has been classified as Pathogenic.

Baylor Genetics
Classification: Pathogenic for Wilson disease. Last evaluated: 2023-08-15. Review status: criteria provided, single submitter. Criteria: ACMG Guidelines, 2015. Collection method: clinical testing. Allele origin: unknown.

All of Us Research Program, National Institutes of Health
Classification: Pathogenic for Wilson disease. Last evaluated: 2023-05-31. Review status: criteria provided, single submitter. Criteria: ACMG Guidelines, 2015. Collection method: clinical testing. Allele origin: germline. Inheritance: Autosomal recessive inheritance. Observed: 1 variant allele, 1 heterozygote.
Comment: This study involves interpretation of variants in research participants for the purpose of population health screening. Participant phenotype was not available at the time of variant classification. Additional details can be found in publication PMID: 35346344, PMCID: PMC8962531

Genome-Nilou Lab
Classification: Pathogenic for Wilson disease. Last evaluated: 2021-08-10. Review status: criteria provided, single submitter. Criteria: ACMG Guidelines, 2015. Collection method: clinical testing. Allele origin: germline. Affected: no.

Women's Health and Genetics/Laboratory Corporation of America, LabCorp
Classification: Pathogenic for Wilson disease. Last evaluated: 2021-02-15. Review status: criteria provided, single submitter. Criteria: LabCorp Variant Classification Summary - May 2015. Collection method: clinical testing. Allele origin: germline.
Comment: Variant summary: ATP7B c.3472_3482del11 (p.Gly1158PhefsX2) results in a premature termination codon, predicted to cause a truncation of the encoded protein or absence of the protein due to nonsense mediated decay, which are commonly known mechanisms for disease. Truncations downstream of this position have been classified as pathogenic by our laboratory. The variant allele was found at a frequency of 4e-06 in 249588 control chromosomes (gnomAD). c.3472_3482del11 has been reported in the literature in multiple individuals affected with Wilson Disease (e.g. Shah_1997, Kucinskas_2008, Wiernicka_2013, Todorov_2016, Zarina_2019). These data indicate that the variant is very likely to be associated with disease. No clinical diagnostic laboratories have submitted clinical-significance assessments for this variant to ClinVar after 2014. Based on the evidence outlined above, the variant was classified as pathogenic.

ARUP Laboratories, Molecular Genetics and Genomics, ARUP Laboratories
Classification: Pathogenic for Wilson disease. Last evaluated: 2020-11-17. Review status: criteria provided, single submitter. Criteria: ARUP Molecular Germline Variant Investigation Process 2021. Collection method: clinical testing. Allele origin: germline.
Comment: The ATP7B c.3472_3482del; p.Gly1158PhefsTer2 variant (rs1566461818) is reported in the literature in several individuals affected with Wilson disease (Gromadzka 2005, Shah 1997, Zarina 2017). At least one affected proband with this variant also carried a second pathogenic variant (Zarina 2017). The c.3472_3482del variant is found on a single chromosome in the Genome Aggregation Database (1/249588 alleles), indicating it is not a common polymorphism. This variant causes a frameshift by deleting 11 nucleotides, so it is predicted to result in a truncated protein or mRNA subject to nonsense-mediated decay. Based on available information, this variant is considered to be pathogenic. References: Gromadzka G et al. Frameshift and nonsense mutations in the gene for ATPase7B are associated with severe impairment of copper metabolism and with an early clinical manifestation of Wilson's disease. Clin Genet. 2005 Dec;68(6):524-32. Shah AB et al. Identification and analysis of mutations in the Wilson disease gene (ATP7B): population frequencies, genotype-phenotype correlation, and functional analyses. Am J Hum Genet. 1997 Aug;61(2):317-28. Zarina A et al. Genetic variation spectrum in ATP7B gene identified in Latvian patients with Wilson disease. Mol Genet Genomic Med. 2017 Jun 7;5(4):405-409.

Literature cited by the submitters: PubMed 10441329 (cited by Labcorp Genetics (formerly Invitae), Labcorp); PubMed 16283883 (cited by Labcorp Genetics (formerly Invitae), Labcorp); PubMed 9311736 (cited by Labcorp Genetics (formerly Invitae), Labcorp and Women's Health and Genetics/Laboratory Corporation of America, LabCorp); PubMed 18855987 (cited by Women's Health and Genetics/Laboratory Corporation of America, LabCorp); PubMed 27992490 (cited by Women's Health and Genetics/Laboratory Corporation of America, LabCorp); PubMed 23885147 (cited by Women's Health and Genetics/Laboratory Corporation of America, LabCorp); PubMed 31942415 (cited by Women's Health and Genetics/Laboratory Corporation of America, LabCorp).